The following is an entry in ClinVar:

NM_003738.5(PTCH2):c.1083+5G>A

Gene: PTCH2 (patched 2; minus strand). Cytogenetic location: 1p34.1.
Variant type: single nucleotide variant.
Coding change: c.1083+5G>A on transcript NM_003738.5 (MANE Select); 5 bases into the intron after coding-DNA position 1083, G replaced by A.
Molecular consequence: intron variant.
Genome position (GRCh38, 1-based): chr1:44,829,609, C>T on the plus strand (G>A on the coding strand, the complement: PTCH2 is on the minus strand). VCF-style: chr1-44829609-C-T. GRCh37 (hg19) VCF-style: chr1-45295281-C-T.
Other names: c.1083+5G>A (NM_001166292.2).
Identifiers: ClinVar variation 856070 (VCV000856070.8), dbSNP rs1653336998, ClinGen allele CA916082025.

ClinVar aggregate classification (germline): Uncertain significance (1 of 4 stars; one submission).

Conditions:
Gorlin syndrome. Also called: Nevoid Basal Cell Carcinoma Syndrome; Basal cell nevus syndrome. Identifiers: Orphanet 377, MedGen C0004779, MONDO:0007187.

Submission:

Labcorp Genetics (formerly Invitae), Labcorp
Classification: Uncertain significance for Gorlin syndrome. Last evaluated: 2025-09-10. Review status: criteria provided, single submitter. Criteria: Invitae Variant Classification Sherloc (09022015). Collection method: clinical testing. Allele origin: germline.
Comment: This sequence change falls in intron 8 of the PTCH2 gene. It does not directly change the encoded amino acid sequence of the PTCH2 protein. It affects a nucleotide within the consensus splice site. This variant is not present in population databases (gnomAD no frequency). This variant has not been reported in the literature in individuals affected with PTCH2-related conditions. ClinVar contains an entry for this variant (Variation ID: 856070). Variants that disrupt the consensus splice site are a relatively common cause of aberrant splicing (PMID: 17576681, 9536098). Algorithms developed to predict the effect of sequence changes on RNA splicing suggest that this variant may disrupt the consensus splice site. In summary, the available evidence is currently insufficient to determine the role of this variant in disease. Therefore, it has been classified as a Variant of Uncertain Significance.

Literature cited by the submitters: PubMed 17576681; PubMed 9536098.